The following is an entry in ClinVar:

NM_033004.4(NLRP1):c.2828G>A (p.Cys943Tyr)

Gene: NLRP1 (NLR family pyrin domain containing 1; minus strand). Cytogenetic location: 17p13.2.
Variant type: single nucleotide variant.
Coding change: c.2828G>A on transcript NM_033004.4 (MANE Select); coding-DNA position 2828, G replaced by A.
Protein change: p.Cys943Tyr; replaces cysteine 943 with tyrosine.
Molecular consequence: missense variant.
Genome position (GRCh38, 1-based): chr17:5,539,457, C>T on the plus strand (G>A on the coding strand, the complement: NLRP1 is on the minus strand). VCF-style: chr17-5539457-C-T. GRCh37 (hg19) VCF-style: chr17-5442777-C-T.
Other names: c.2828G>A, p.Cys943Tyr (NM_001033053.3, NM_014922.5, NM_033006.4 and 1 more transcripts); short protein forms C943Y.
Identifiers: ClinVar variation 1721873 (VCV001721873.5), dbSNP rs1253608844, ClinGen allele CA397377014.

ClinVar aggregate classification (germline): Uncertain significance (1 of 4 stars; one submission).

gnomAD v4.1: 1 of 1,614,068 alleles (0.000062%); highest among the groups gnomAD compares: Admixed American, 0.0017%; no homozygotes.

Submission:

Labcorp Genetics (formerly Invitae), Labcorp
Classification: Uncertain significance. Last evaluated: 2022-10-19. Review status: criteria provided, single submitter. Criteria: Invitae Variant Classification Sherloc (09022015). Collection method: clinical testing. Allele origin: germline.
Comment: Algorithms developed to predict the effect of missense changes on protein structure and function are either unavailable or do not agree on the potential impact of this missense change (SIFT: "Deleterious"; PolyPhen-2: "Benign"; Align-GVGD: "Class C0"). In summary, the available evidence is currently insufficient to determine the role of this variant in disease. Therefore, it has been classified as a Variant of Uncertain Significance. This variant has not been reported in the literature in individuals affected with NLRP1-related conditions. This variant is present in population databases (no rsID available, gnomAD 0.003%). This sequence change replaces cysteine, which is neutral and slightly polar, with tyrosine, which is neutral and polar, at codon 943 of the NLRP1 protein (p.Cys943Tyr).